The following is an entry in ClinVar:

NM_002661.5(PLCG2):c.3243C>T (p.Ala1081=)

Gene: PLCG2 (phospholipase C gamma 2; plus strand). Cytogenetic location: 16q23.3.
Variant type: single nucleotide variant.
Coding change: c.3243C>T on transcript NM_002661.5 (MANE Select); coding-DNA position 3243, C replaced by T.
Protein change: p.Ala1081=; no amino-acid change (alanine 1081 retained).
Molecular consequence: synonymous variant.
Genome position (GRCh38, 1-based): chr16:81,938,845, C>T. VCF-style: chr16-81938845-C-T. GRCh37 (hg19) VCF-style: chr16-81972450-C-T.
Other names: c.3243C>T, p.Ala1081= (NM_001425749.1, NM_001425750.1, NM_001425751.1).
Identifiers: ClinVar variation 3650029 (VCV003650029.2).

ClinVar aggregate classification (germline): Uncertain significance (1 of 4 stars; one submission).

Conditions:
Familial cold autoinflammatory syndrome 3 (FCAS3). Also called: ANTIBODY DEFICIENCY AND IMMUNE DYSREGULATION, PLCG2-ASSOCIATED; FAMILIAL ATYPICAL COLD URTICARIA. Identifiers: Orphanet 300359, MedGen C3280914, MONDO:0013766, OMIM 614468.

gnomAD v4.1: 2 of 1,613,788 alleles (0.00012%); highest among the groups gnomAD compares: South Asian, 0.0011%; no homozygotes.

Submission:

Labcorp Genetics (formerly Invitae), Labcorp
Classification: Uncertain significance for Familial cold autoinflammatory syndrome 3. Last evaluated: 2024-04-25. Review status: criteria provided, single submitter. Criteria: Invitae Variant Classification Sherloc (09022015). Collection method: clinical testing. Allele origin: germline.
Comment: This sequence change affects codon 1081 of the PLCG2 mRNA. It is a 'silent' change, meaning that it does not change the encoded amino acid sequence of the PLCG2 protein. This variant is present in population databases (rs770062506, gnomAD 0.0009%). This variant has not been reported in the literature in individuals affected with PLCG2-related conditions. Algorithms developed to predict the effect of sequence changes on RNA splicing suggest that this variant may create or strengthen a splice site. In summary, the available evidence is currently insufficient to determine the role of this variant in disease. Therefore, it has been classified as a Variant of Uncertain Significance.